The following is an entry in ClinVar:

ClinVar aggregate classification (germline): Uncertain significance (1 of 4 stars; one submission).

Conditions:
Dilated cardiomyopathy 1J (CMD1J). Also called: CARDIOMYOPATHY, DILATED, WITH SENSORINEURAL HEARING LOSS, AUTOSOMAL DOMINANT. Identifiers: Orphanet 217622, MedGen C1854368, MONDO:0011541, OMIM 605362.

Submission:

Labcorp Genetics (formerly Invitae), Labcorp
Classification: Uncertain significance for Dilated cardiomyopathy 1J. Last evaluated: 2025-01-28. Review status: criteria provided, single submitter. Criteria: Invitae Variant Classification Sherloc (09022015). Collection method: clinical testing. Allele origin: germline.
Comment: This sequence change falls in intron 11 of the EYA4 gene. It does not directly change the encoded amino acid sequence of the EYA4 protein. It affects a nucleotide within the consensus splice site. This variant is not present in population databases (gnomAD no frequency). This variant has not been reported in the literature in individuals affected with EYA4-related conditions. Variants that disrupt the consensus splice site are a relatively common cause of aberrant splicing (PMID: 17576681, 9536098). Algorithms developed to predict the effect of sequence changes on RNA splicing suggest that this variant may disrupt the consensus splice site. In summary, the available evidence is currently insufficient to determine the role of this variant in disease. Therefore, it has been classified as a Variant of Uncertain Significance.

Literature cited by the submitters: PubMed 17576681; PubMed 9536098.

NM_004100.5(EYA4):c.971-3T>A

Gene: EYA4 (EYA transcriptional coactivator and phosphatase 4; plus strand). Cytogenetic location: 6q23.2.
Variant type: single nucleotide variant.
Coding change: c.971-3T>A on transcript NM_004100.5 (MANE Select); 3 bases into the intron before coding-DNA position 971, T replaced by A.
Molecular consequence: intron variant.
Genome position (GRCh38, 1-based): chr6:133,481,460, T>A. VCF-style: chr6-133481460-T-A. GRCh37 (hg19) VCF-style: chr6-133802598-T-A.
Other names: c.989-3T>A (NM_001301013.2); c.971-3T>A (NM_172105.4); c.902-3T>A (NM_001370458.1, NM_172103.4); c.827-3T>A (NM_001370459.1); c.809-3T>A (NM_001301012.2).
Identifiers: ClinVar variation 3657368 (VCV003657368.2).